The following is an entry in ClinVar:

ClinVar aggregate classification (germline): Uncertain significance. Review status: criteria provided, multiple submitters, no conflicts (2 of 4 stars). 2 submissions from 2 submitters: Uncertain significance (2). Last evaluated 2026-07-06.

Conditions:
Hereditary cancer-predisposing syndrome. Also called: Hereditary Cancer Syndrome; Neoplastic Syndromes, Hereditary; Hereditary neoplastic syndrome; Tumor predisposition. Identifiers: Orphanet 140162, MedGen C0027672, MeSH D009386, MONDO:0015356.
Haddad syndrome (OHD). Also called: Ondine-Hirschsprung disease. Identifiers: Orphanet 99803, MedGen C1859049, MONDO:0020493.

Allele frequency attached by ClinVar (database versions not stated): gnomAD exomes below 0.00001 and 0.00004; ExAC 0.00012.
gnomAD v4.1: 1 of 1,242,568 alleles (0.00008%); highest among the groups gnomAD compares: South Asian, 0.0035%; no homozygotes.

Submissions (2):

Ambry Genetics
Classification: Uncertain significance for Hereditary cancer-predisposing syndrome. Last evaluated: 2026-07-06. Review status: criteria provided, single submitter. Criteria: Ambry Variant Classification Scheme 2023. Collection method: clinical testing. Allele origin: germline.
Comment: The p.A256T variant (also known as c.766G>A), located in coding exon 3 of the PHOX2B gene, results from a G to A substitution at nucleotide position 766. The alanine at codon 256 is replaced by threonine, an amino acid with similar properties. This amino acid position is conserved. In addition, this alteration is predicted to be tolerated by in silico analysis. Based on the available evidence, the clinical significance of this variant remains unclear.

Labcorp Genetics (formerly Invitae), Labcorp
Classification: Uncertain significance for Haddad syndrome. Last evaluated: 2021-10-01. Review status: criteria provided, single submitter. Criteria: Invitae Variant Classification Sherloc (09022015). Collection method: clinical testing. Allele origin: germline.
Comment: This sequence change replaces alanine with threonine at codon 256 of the PHOX2B protein (p.Ala256Thr). The alanine residue is moderately conserved and there is a small physicochemical difference between alanine and threonine. While this variant is present in population databases (rs761010146), the frequency information is unreliable, as metrics indicate poor data quality at this position in the ExAC database. This variant has not been reported in the literature in individuals affected with PHOX2B-related conditions. Algorithms developed to predict the effect of missense changes on protein structure and function are either unavailable or do not agree on the potential impact of this missense change (SIFT: "Deleterious"; PolyPhen-2: "Not Available"; Align-GVGD: "Class C0"). In summary, the available evidence is currently insufficient to determine the role of this variant in disease. Therefore, it has been classified as a Variant of Uncertain Significance.

NM_003924.4(PHOX2B):c.766G>A (p.Ala256Thr)

Genes: PHOX2B (paired like homeobox 2B; minus strand), LOC110011216 (paired like homeobox 2b polyalanine repeat instability region; plus strand). Cytogenetic location: 4p13.
Variant type: single nucleotide variant.
Coding change: c.766G>A on transcript NM_003924.4 (MANE Select); coding-DNA position 766, G replaced by A.
Protein change: p.Ala256Thr; replaces alanine 256 with threonine.
Molecular consequence: missense variant.
Genome position (GRCh38, 1-based): chr4:41,745,986, C>T on the plus strand (G>A on the coding strand, the complement: PHOX2B is on the minus strand). VCF-style: chr4-41745986-C-T. GRCh37 (hg19) VCF-style: chr4-41748003-C-T.
Other names: c.766G>A (NM_003924.3); short protein forms A256T.
Identifiers: ClinVar variation 1363171 (VCV001363171.7), dbSNP rs761010146, ClinGen allele CA2901435.